The following is an entry in ClinVar:

NM_201384.3(PLEC):c.11957C>T (p.Thr3986Met)

Gene: PLEC (plectin; minus strand). Cytogenetic location: 8q24.3.
Variant type: single nucleotide variant.
Coding change: c.11957C>T on transcript NM_201384.3 (MANE Select); coding-DNA position 11957, C replaced by T.
Protein change: p.Thr3986Met; replaces threonine 3986 with methionine.
Molecular consequence: missense variant.
Genome position (GRCh38, 1-based): chr8:143,917,864, G>A on the plus strand (C>T on the coding strand, the complement: PLEC is on the minus strand). VCF-style: chr8-143917864-G-A. GRCh37 (hg19) VCF-style: chr8-144992032-G-A.
Other names: c.12038C>T (NM_000445.4); c.12038C>T, p.Thr4013Met (NM_000445.5); c.11915C>T, p.Thr3972Met (NM_201378.4); c.11891C>T, p.Thr3964Met (NM_201379.3); c.12368C>T, p.Thr4123Met (NM_201380.4); c.11861C>T, p.Thr3954Met (NM_201381.3); c.11957C>T, p.Thr3986Met (NM_201382.4); c.11969C>T, p.Thr3990Met (NM_201383.3); short protein forms T3954M, T3964M, T3972M, T3986M, T3990M, T4013M, T4123M.
Identifiers: ClinVar variation 501784 (VCV000501784.16), dbSNP rs369056956, ClinGen allele CA4924208.
Genomic context (GRCh38, chr8:143,917,864, plus strand): 5'-GACAGCAGCTTGTCCTTGAACTCGGGGCCCACAATGCCCATACGCACAGCCTCCTCCACC[G>A]TCAGCTTCAGTCCCTTGATGGGGTCGATGACGTAACCGGTGGCCGCCTGCGCCTCCAGGA-3'
Protein context (NP_958786.1, residues 3976-3996): VIDPIKGLKL[Thr3986Met]VEEAVRMGIV

ClinVar aggregate classification (germline): Uncertain significance. Review status: criteria provided, multiple submitters, no conflicts (2 of 4 stars). 4 submissions from 4 submitters: Uncertain significance (3). 1 of the submissions does not count toward it. Last evaluated 2024-12-03.

Conditions:
Epidermolysis bullosa simplex 5C, with pyloric atresia (EBS5C). Also called: PLEC-Related Epidermolysis Bullosa with Pyloric Atresia; Epidermolysis bullosa simplex with pyloric atresia; PLEC1-Related Epidermolysis Bullosa with Pyloric Atresia. Identifiers: Orphanet 158684, MedGen C2677349, MONDO:0012807, OMIM 612138.
Epidermolysis bullosa simplex with nail dystrophy (EBS5D). Identifiers: MedGen C4225309, MONDO:0014661, OMIM 616487.
Epidermolysis bullosa simplex, Ogna type (EBS5A). Also called: Pidermolysis bullosa simplex 5A, Ogna type; EPIDERMOLYSIS BULLOSA SIMPLEX 5A, OGNA TYPE. Identifiers: Orphanet 79401, MedGen C0432317, MONDO:0007555, OMIM 131950.
Autosomal recessive limb-girdle muscular dystrophy type 2Q (LGMDR17). Also called: MUSCULAR DYSTROPHY, LIMB-GIRDLE, AUTOSOMAL RECESSIVE 17. Identifiers: Orphanet 254361, MedGen C3150989, MONDO:0013390, OMIM 613723.
Epidermolysis bullosa simplex 5B, with muscular dystrophy (EBS5B). Also called: EPIDERMOLYSIS BULLOSA SIMPLEX AND LIMB-GIRDLE MUSCULAR DYSTROPHY; Epidermolysis bullosa simplex with muscular dystrophy. Identifiers: Orphanet 257, MedGen C2931072, MONDO:0009181, OMIM 226670.
PLEC-related disorder. Also called: PLEC-related condition; PLEC-related disorders.

Allele frequency attached by ClinVar (database versions not stated): gnomAD 0.00001 and 0.00003; gnomAD exomes 0.00002 and 0.00006; TOPMed 0.00005; ExAC 0.00006; ESP Exome Variant Server 0.00008; 1000 Genomes Project 30x 0.00031; 1000 Genomes Project 0.00040.
gnomAD v4.1: 40 of 1,613,086 alleles (0.0025%); highest among the groups gnomAD compares: South Asian, 0.027%; no homozygotes.

Submissions (4):

Labcorp Genetics (formerly Invitae), Labcorp
Classification: Uncertain significance for Autosomal recessive limb-girdle muscular dystrophy type 2Q; Epidermolysis bullosa simplex, Ogna type; Epidermolysis bullosa simplex with nail dystrophy; Epidermolysis bullosa simplex 5C, with pyloric atresia; Epidermolysis bullosa simplex 5B, with muscular dystrophy. Last evaluated: 2024-12-03. Review status: criteria provided, single submitter. Criteria: Invitae Variant Classification Sherloc (09022015). Collection method: clinical testing. Allele origin: germline.
Comment: This sequence change replaces threonine, which is neutral and polar, with methionine, which is neutral and non-polar, at codon 4013 of the PLEC protein (p.Thr4013Met). This variant is present in population databases (rs369056956, gnomAD 0.04%). This variant has not been reported in the literature in individuals affected with PLEC-related conditions. ClinVar contains an entry for this variant (Variation ID: 501784). Invitae Evidence Modeling of protein sequence and biophysical properties (such as structural, functional, and spatial information, amino acid conservation, physicochemical variation, residue mobility, and thermodynamic stability) indicates that this missense variant is not expected to disrupt PLEC protein function with a negative predictive value of 80%. In summary, the available evidence is currently insufficient to determine the role of this variant in disease. Therefore, it has been classified as a Variant of Uncertain Significance.

GeneDx
Classification: Uncertain significance. Last evaluated: 2021-09-10. Review status: criteria provided, single submitter. Criteria: GeneDx Variant Classification Process June 2021. Collection method: clinical testing. Allele origin: germline. Affected: yes.
Comment: Not observed at significant frequency in large population cohorts (Lek et al., 2016); In silico analysis supports that this missense variant has a deleterious effect on protein structure/function; Missense variant in a gene in which most reported pathogenic variants are truncating/loss-of-function; Has not been previously published as pathogenic or benign to our knowledge

Eurofins Ntd Llc (ga)
Classification: Uncertain significance. Last evaluated: 2017-11-16. Review status: criteria provided, single submitter. Criteria: EGL Classification Definitions 2015. Collection method: clinical testing. Allele origin: germline. Observed: 2 variant alleles, 2 heterozygotes.

PreventionGenetics, part of Exact Sciences
Classification: Uncertain significance for PLEC-related condition. Last evaluated: 2024-05-31. Review status: no assertion criteria provided. Collection method: clinical testing. Allele origin: germline. Not counted in ClinVar's aggregate classification.
Comment: The PLEC c.12038C>T variant is predicted to result in the amino acid substitution p.Thr4013Met. To our knowledge, this variant has not been reported in the literature. This variant is reported in 0.046% of alleles in individuals of South Asian descent in gnomAD. At this time, the clinical significance of this variant is uncertain due to the absence of conclusive functional and genetic evidence.